The following is an entry in ClinVar:

ClinVar aggregate classification (germline): Uncertain significance. Review status: criteria provided, multiple submitters, no conflicts (2 of 4 stars). 2 submissions from 2 submitters: Uncertain significance (2). Last evaluated 2024-11-11.

Conditions:
Fanconi anemia complementation group P. Also called: SLX4-Related Fanconi Anemia. Identifiers: Orphanet 84, MedGen C3469542, MONDO:0013499, OMIM 613951.
Fanconi anemia (FA). Also called: Fanconi's anemia. Identifiers: Orphanet 84, MedGen C0015625, MeSH D005199, MONDO:0019391.

Allele frequency attached by ClinVar (database versions not stated): ExAC 0.00004; gnomAD 0.00005; gnomAD exomes 0.00005; TOPMed 0.00005.
gnomAD v4.1: 145 of 1,614,084 alleles (0.009%); highest among the groups gnomAD compares: Non-Finnish European, 0.012%; no homozygotes.

Submissions (2):

Labcorp Genetics (formerly Invitae), Labcorp
Classification: Uncertain significance for Fanconi anemia. Last evaluated: 2024-11-11. Review status: criteria provided, single submitter. Criteria: Invitae Variant Classification Sherloc (09022015). Collection method: clinical testing. Allele origin: germline.
Comment: This sequence change replaces lysine, which is basic and polar, with asparagine, which is neutral and polar, at codon 176 of the SLX4 protein (p.Lys176Asn). This variant is present in population databases (rs778569160, gnomAD 0.009%). This variant has not been reported in the literature in individuals affected with SLX4-related conditions. ClinVar contains an entry for this variant (Variation ID: 1491723). An algorithm developed to predict the effect of missense changes on protein structure and function (PolyPhen-2) suggests that this variant¬†is likely to be tolerated. In summary, the available evidence is currently insufficient to determine the role of this variant in disease. Therefore, it has been classified as a Variant of Uncertain Significance.

Fulgent Genetics
Classification: Uncertain significance for Fanconi anemia complementation group P. Last evaluated: 2022-03-05. Review status: criteria provided, single submitter. Criteria: ACMG Guidelines, 2015. Collection method: clinical testing. Allele origin: unknown.

NM_032444.4(SLX4):c.528A>T (p.Lys176Asn)

Gene: SLX4 (SLX4 structure-specific endonuclease subunit; minus strand). Cytogenetic location: 16p13.3.
Variant type: single nucleotide variant.
Coding change: c.528A>T on transcript NM_032444.4 (MANE Select); coding-DNA position 528, A replaced by T.
Protein change: p.Lys176Asn; replaces lysine 176 with asparagine.
Molecular consequence: missense variant.
Genome position (GRCh38, 1-based): chr16:3,608,437, T>A on the plus strand (A>T on the coding strand, the complement: SLX4 is on the minus strand). VCF-style: chr16-3608437-T-A. GRCh37 (hg19) VCF-style: chr16-3658438-T-A.
Other names: short protein forms K176N.
Identifiers: ClinVar variation 1491723 (VCV001491723.6), dbSNP rs778569160, ClinGen allele CA7866851.